The following is an entry in ClinVar:

NM_005689.4(ABCB6):c.1863+8G>C

Gene: ABCB6 (ATP binding cassette subfamily B member 6 (LAN blood group); minus strand). Cytogenetic location: 2q35.
Variant type: single nucleotide variant.
Coding change: c.1863+8G>C on transcript NM_005689.4 (MANE Select); 8 bases into the intron after coding-DNA position 1863, G replaced by C.
Molecular consequence: intron variant.
Genome position (GRCh38, 1-based): chr2:219,213,000, C>G on the plus strand (G>C on the coding strand, the complement: ABCB6 is on the minus strand). VCF-style: chr2-219213000-C-G. GRCh37 (hg19) VCF-style: chr2-220077722-C-G.
Other names: c.1725+8G>C (NM_001349828.2).
Identifiers: ClinVar variation 2044006 (VCV002044006.18), dbSNP rs370947094, ClinGen allele CA2119191.

ClinVar aggregate classification (germline): Benign/Likely benign. Review status: criteria provided, multiple submitters, no conflicts (2 of 4 stars). 2 submissions from 2 submitters: Benign (1); Likely benign (1). Last evaluated 2024-12-08.

Allele frequency attached by ClinVar (database versions not stated): gnomAD 0.00016; ESP Exome Variant Server 0.00023; ExAC 0.00055; 1000 Genomes Project 0.00060; 1000 Genomes Project 30x 0.00078.
gnomAD v4.1: 393 of 1,613,858 alleles (0.024%); highest among the groups gnomAD compares: South Asian, 0.28%; 4 homozygotes.

Submissions (2):

Labcorp Genetics (formerly Invitae), Labcorp
Classification: Benign. Last evaluated: 2024-12-08. Review status: criteria provided, single submitter. Criteria: Invitae Variant Classification Sherloc (09022015). Collection method: clinical testing. Allele origin: germline.

CeGaT Center for Human Genetics Tuebingen
Classification: Likely benign. Last evaluated: 2024-11-01. Review status: criteria provided, single submitter. Criteria: CeGaT Center For Human Genetics Tuebingen Variant Classification Criteria Version 2. Collection method: clinical testing. Allele origin: germline. Affected: yes. Observed: 1 variant allele.
Comment: ABCB6: BP4, BS1